The following is an entry in ClinVar:

ClinVar aggregate classification (germline): Uncertain significance (1 of 4 stars; one submission).

Conditions:
Familial intrahepatic cholestasis. Identifiers: Orphanet 284385, MedGen CN296401, MONDO:0017290.

Submission:

Genomenon, Inc
Classification: Uncertain significance for Familial intrahepatic cholestasis. Last evaluated: 2026-04-14. Review status: criteria provided, single submitter. Criteria: Genomenon Sequence Variant Interpretation Standards - Updated. Collection method: curation. Allele origin: germline. Affected: no.
Comment: ATP8B1 p.Met337Arg (c.1010T>G) is a missense variant that changes the amino acid at residue 337 from Methionine to Arginine. This variant has been reported in the published literature (PMID:24627769). It is absent or not present at a significant frequency in gnomAD. In silico models predict that this variant is possibly or probably damaging. In conclusion, we classify ATP8B1 p.Met337Arg (c.1010T>G) as a variant of uncertain significance.

Literature cited by the submitters: PubMed 24627769.

NM_001374385.1(ATP8B1):c.1010T>G (p.Met337Arg)

Genes: ATP8B1 (ATPase phospholipid transporting 8B1; minus strand), LOC126862761 (CDK7 strongly-dependent group 2 enhancer GRCh37_chr18:55360919-55362118; plus strand). Cytogenetic location: 18q21.31.
Variant type: single nucleotide variant.
Coding change: c.1010T>G on transcript NM_001374385.1 (MANE Select); coding-DNA position 1010, T replaced by G.
Protein change: p.Met337Arg; replaces methionine 337 with arginine.
Molecular consequence: missense variant.
Genome position (GRCh38, 1-based): chr18:57,694,601, A>C on the plus strand (T>G on the coding strand, the complement: ATP8B1 is on the minus strand). VCF-style: chr18-57694601-A-C. GRCh37 (hg19) VCF-style: chr18-55361833-A-C.
Other names: c.860T>G, p.Met287Arg (NM_001374386.1); c.1010T>G, p.Met337Arg (NM_005603.6); short protein forms M287R, M337R.
Identifiers: ClinVar variation 4846258 (VCV004846258.1).